The following is an entry in ClinVar:

ClinVar aggregate classification (germline): Pathogenic (1 of 4 stars; one submission).

Conditions:
Drash syndrome (DDS). Also called: NEPHROPATHY, WILMS TUMOR, AND GENITAL ANOMALIES; WILMS TUMOR AND PSEUDO- OR TRUE HERMAPHRODITISM. Identifiers: Orphanet 220, MedGen C0950121, MONDO:0008682, OMIM 194080.
Frasier syndrome. Identifiers: Orphanet 347, MedGen C0950122, MeSH D052159, MONDO:0007635, OMIM 136680.
Wilms tumor 1 (WT1). Also called: Wilms tumor, somatic. Identifiers: Orphanet 654, MedGen CN033288, MONDO:0008679, OMIM 194070.
11p partial monosomy syndrome (WAGR). Also called: CHROMOSOME 11p13 DELETION SYNDROME; WAGR syndrome; WAGR Complex; WAGR Spectrum Disorder. Identifiers: Orphanet 893, MedGen C0206115, MONDO:0008681, OMIM 194072.

Submission:

Labcorp Genetics (formerly Invitae), Labcorp
Classification: Pathogenic for Wilms tumor 1; Drash syndrome; 11p partial monosomy syndrome; Frasier syndrome. Last evaluated: 2021-12-11. Review status: criteria provided, single submitter. Criteria: Invitae Variant Classification Sherloc (09022015). Collection method: clinical testing. Allele origin: germline.
Comment: This sequence change creates a premature translational stop signal (p.Gly88Alafs*9) in the WT1 gene. It is expected to result in an absent or disrupted protein product. Loss-of-function variants in WT1 are known to be pathogenic (PMID: 15150775). This variant is not present in population databases (gnomAD no frequency). This variant has not been reported in the literature in individuals affected with WT1-related conditions. For these reasons, this variant has been classified as Pathogenic.

Literature cited by the submitters: PubMed 15150775.

NM_024426.6(WT1):c.276del (p.Gly93fs)

Genes: WT1 (WT1 transcription factor; minus strand), LOC107982234 (WT1/WT1-AS bi-directional promoter region; plus strand). Cytogenetic location: 11p13.
Variant type: Deletion.
Coding change: c.276del on transcript NM_024426.6 (MANE Select); coding-DNA position 276, one base deleted (T; older notation c.276delT).
Protein change: p.Gly93fs; shifts the reading frame from glycine 93.
Molecular consequence: frameshift variant. On other transcripts: non-coding transcript variant (1).
Genome position (GRCh38, 1-based): chr11:32,435,085, A deleted on the plus strand (T on the coding strand, the reverse complement: WT1 is on the minus strand). VCF-style (leftmost placement, unchanged base first): chr11-32435084-CA-C. GRCh37 (hg19) VCF-style: chr11-32456630-CA-C.
Other names: c.276del, p.Gly93fs (NM_000378.6, NM_024424.5); short protein forms G93fs.
Identifiers: ClinVar variation 1453898 (VCV001453898.6), dbSNP rs2133105444, ClinGen allele CA2573146230.